The following is an entry in ClinVar:

ClinVar aggregate classification (germline): Pathogenic (1 of 4 stars; one submission).

Conditions:
3-Oxo-5 alpha-steroid delta 4-dehydrogenase deficiency (PPSH). Also called: 46,XY disorder of sex development due to 5-alpha-reductase 2 deficiency; PSEUDOVAGINAL PERINEOSCROTAL HYPOSPADIAS; FAMILIAL INCOMPLETE MALE PSEUDOHERMAPHRODITISM, TYPE 2; MALE PSEUDOHERMAPHRODITISM DUE TO 5-ALPHA-REDUCTASE DEFICIENCY. Identifiers: MedGen C0268297, MONDO:0009923, OMIM 264600, Orphanet 753. Disease mechanism: loss of function.

Submission:

Labcorp Genetics (formerly Invitae), Labcorp
Classification: Pathogenic for 3-Oxo-5 alpha-steroid delta 4-dehydrogenase deficiency. Last evaluated: 2023-12-20. Review status: criteria provided, single submitter. Criteria: Invitae Variant Classification Sherloc (09022015). Collection method: clinical testing. Allele origin: germline.
Comment: This sequence change creates a premature translational stop signal (p.Gln182*) in the SRD5A2 gene. It is expected to result in an absent or disrupted protein product. Loss-of-function variants in SRD5A2 are known to be pathogenic (PMID: 1406794, 1944596). This variant is not present in population databases (gnomAD no frequency). This variant has not been reported in the literature in individuals affected with SRD5A2-related conditions. For these reasons, this variant has been classified as Pathogenic.

Literature cited by the submitters: PubMed 1406794; PubMed 1944596.

NM_000348.4(SRD5A2):c.544C>T (p.Gln182Ter)

Gene: SRD5A2 (steroid 5 alpha-reductase 2; minus strand). Cytogenetic location: 2p23.1.
Variant type: single nucleotide variant.
Coding change: c.544C>T on transcript NM_000348.4 (MANE Select); coding-DNA position 544, C replaced by T.
Protein change: p.Gln182Ter; replaces glutamine 182 with a stop codon.
Molecular consequence: nonsense.
Genome position (GRCh38, 1-based): chr2:31,531,374, G>A on the plus strand (C>T on the coding strand, the complement: SRD5A2 is on the minus strand). VCF-style: chr2-31531374-G-A. GRCh37 (hg19) VCF-style: chr2-31756444-G-A.
Other names: short protein forms Q182*.
Identifiers: ClinVar variation 2790633 (VCV002790633.3), dbSNP rs2465628821, ClinGen allele CA346598164.